The following is an entry in ClinVar:

NM_003070.5(SMARCA2):c.832C>A (p.Leu278Met)

Gene: SMARCA2 (SWI/SNF related BAF chromatin remodeling complex subunit ATPase 2; plus strand). Cytogenetic location: 9p24.3.
Variant type: single nucleotide variant.
Coding change: c.832C>A on transcript NM_003070.5 (MANE Select); coding-DNA position 832, C replaced by A.
Protein change: p.Leu278Met; replaces leucine 278 with methionine.
Molecular consequence: missense variant.
Genome position (GRCh38, 1-based): chr9:2,047,270, C>A. VCF-style: chr9-2047270-C-A. GRCh37 (hg19) VCF-style: chr9-2047270-C-A.
Other names: c.832C>A, p.Leu278Met (NM_001289396.2, NM_001289397.2, NM_139045.4); short protein forms L278M.
Identifiers: ClinVar variation 1934376 (VCV001934376.5), dbSNP rs1282999845, ClinGen allele CA372780778.

ClinVar aggregate classification (germline): Uncertain significance (1 of 4 stars; one submission).

Allele frequency attached by ClinVar (database versions not stated): TOPMed 0.00001; gnomAD 0.00002.
gnomAD v4.1: 11 of 1,006,192 alleles (0.0011%); highest among the groups gnomAD compares: Non-Finnish European, 0.0012%; no homozygotes.

Submission:

Labcorp Genetics (formerly Invitae), Labcorp
Classification: Uncertain significance. Last evaluated: 2022-08-12. Review status: criteria provided, single submitter. Criteria: Invitae Variant Classification Sherloc (09022015). Collection method: clinical testing. Allele origin: germline.
Comment: In summary, the available evidence is currently insufficient to determine the role of this variant in disease. Therefore, it has been classified as a Variant of Uncertain Significance. Advanced modeling of protein sequence and biophysical properties (such as structural, functional, and spatial information, amino acid conservation, physicochemical variation, residue mobility, and thermodynamic stability) performed at Invitae indicates that this missense variant is not expected to disrupt SMARCA2 protein function. This variant has not been reported in the literature in individuals affected with SMARCA2-related conditions. The frequency data for this variant in the population databases is considered unreliable, as metrics indicate insufficient coverage at this position in the gnomAD database. This sequence change replaces leucine, which is neutral and non-polar, with methionine, which is neutral and non-polar, at codon 278 of the SMARCA2 protein (p.Leu278Met).